The following is an entry in ClinVar:

NM_001034853.2(RPGR):c.1807_1819dup (p.Glu607fs)

Gene: RPGR (retinitis pigmentosa GTPase regulator; minus strand). Cytogenetic location: Xp11.4.
Variant type: Duplication.
Coding change: c.1807_1819dup on transcript NM_001034853.2 (MANE Select); coding-DNA positions 1807 to 1819, 13 bases duplicated (GAGCAAGAGGTAG).
Protein change: p.Glu607fs; shifts the reading frame from glutamic acid 607.
Molecular consequence: frameshift variant. On other transcripts: non-coding transcript variant (2), intron variant (5).
Genome position (GRCh38, 1-based): chrX:38,287,180-38,287,192, CTACCTCTTGCTC duplicated on the plus strand (GAGCAAGAGGTAG on the coding strand, the reverse complement: RPGR is on the minus strand); duplicating any 13 consecutive bases within chrX:38,287,180-38,287,194 gives the same sequence; the c. name uses the placement nearest the transcript's 3' end. VCF-style (leftmost placement, unchanged base first): chrX-38287179-T-TCTACCTCTTGCTC. GRCh37 (hg19) VCF-style: chrX-38146432-T-TCTACCTCTTGCTC.
Other names: c.1807_1819dup, p.Glu607fs (NM_000328.3); c.1804_1816dup, p.Glu606fs (NM_001367245.1); c.1621_1633dup, p.Glu545fs (NM_001367246.1); c.1569+3767_1569+3779dup (NM_001367249.1, NM_001367250.1); c.1386+3767_1386+3779dup (NM_001367251.1); c.1572+3767_1572+3779dup (NM_001367247.1); c.1602+3767_1602+3779dup (NM_001367248.1); short protein forms E606fs, E607fs, E545fs.
Identifiers: ClinVar variation 2737873 (VCV002737873.3), dbSNP rs2519795148, ClinGen allele CA2697553052.

ClinVar aggregate classification (germline): Pathogenic (1 of 4 stars; one submission).

Conditions:
Primary ciliary dyskinesia. Also called: Ciliary dyskinesia. Identifiers: Orphanet 244, MedGen C0008780, MONDO:0016575, HP:0012265.

Submission:

Labcorp Genetics (formerly Invitae), Labcorp
Classification: Pathogenic for Primary ciliary dyskinesia. Last evaluated: 2023-07-07. Review status: criteria provided, single submitter. Criteria: Invitae Variant Classification Sherloc (09022015). Collection method: clinical testing. Allele origin: germline.
Comment: For these reasons, this variant has been classified as Pathogenic. Algorithms developed to predict the effect of sequence changes on RNA splicing suggest that this variant may disrupt the consensus splice site. This variant has not been reported in the literature in individuals affected with RPGR-related conditions. This variant is not present in population databases (gnomAD no frequency). This sequence change creates a premature translational stop signal (p.Glu607Glyfs*8) in the RPGR gene. It is expected to result in an absent or disrupted protein product. Loss-of-function variants in RPGR are known to be pathogenic (PMID: 16055928, 16969763).

Literature cited by the submitters: PubMed 16055928; PubMed 16969763.